The following is an entry in ClinVar:

ClinVar aggregate classification (germline): Uncertain significance (0 of 4 stars; one submission).

Allele frequency attached by ClinVar (database versions not stated): gnomAD 0.00005 and 0.00006; TOPMed 0.00003; gnomAD exomes 0.00007.
gnomAD v4.1: 48 of 702,852 alleles (0.0068%); highest among the groups gnomAD compares: Non-Finnish European, 0.0075%; no homozygotes.

Submission:

Department of Pathology and Laboratory Medicine, Sinai Health System
Classification: Uncertain significance. Review status: no assertion criteria provided. Collection method: clinical testing. Allele origin: unknown. Affected: yes. Study: The Canadian Open Genetics Repository (COGR).
Comment: The BEAN1 p.Arg71His variant was not identified in the literature nor was it identified in ClinVar, Cosmic, or LOVD 3.0. The variant was identified in dbSNP (ID: rs763587014) and in control databases in 9 of 134586 chromosomes at a frequency of 0.000067 (Genome Aggregation Database Feb 27, 2017). The variant was observed in the following populations: Other in 2 of 4144 chromosomes (freq: 0.000483), Ashkenazi Jewish in 1 of 8296 chromosomes (freq: 0.000121), South Asian in 2 of 22492 chromosomes (freq: 0.000089) and European (non-Finnish) in 4 of 52856 chromosomes (freq: 0.000076), but was not observed in the African, Latino, East Asian or European (Finnish) populations. The p.Arg71 residue is not conserved in mammals and four out of five computational analyses (PolyPhen-2, SIFT, AlignGVGD, BLOSUM, MutationTaster) do not suggest a high likelihood of impact to the protein; however, this information is not predictive enough to rule out pathogenicity. The variant occurs outside of the splicing consensus sequence and three of four in silico or computational prediction software programs (SpliceSiteFinder, MaxEntScan, NNSPLICE, GeneSplicer) do not predict a difference in splicing. In summary, based on the above information the clinical significance of this variant cannot be determined with certainty at this time. This variant is classified as a variant of uncertain significance.

NM_001197224.4(BEAN1):c.212G>A (p.Arg71His)

Gene: BEAN1 (brain expressed associated with NEDD4 1; plus strand). Cytogenetic location: 16q21.
Variant type: single nucleotide variant.
Coding change: c.212G>A on transcript NM_001197224.4; coding-DNA position 212, G replaced by A.
Protein change: p.Arg71His; replaces arginine 71 with histidine.
Molecular consequence: missense variant.
Genome position (GRCh38, 1-based): chr16:66,493,022, G>A. VCF-style: chr16-66493022-G-A. GRCh37 (hg19) VCF-style: chr16-66526925-G-A.
Other names: short protein forms R71H.
Identifiers: ClinVar variation 1049336 (VCV001049336.3), dbSNP rs763587014, ClinGen allele CA282156132.